The following is an entry in ClinVar:

NM_000548.5(TSC2):c.4703C>T (p.Ser1568Phe)

Gene: TSC2 (TSC complex subunit 2; plus strand). Cytogenetic location: 16p13.3.
Variant type: single nucleotide variant.
Coding change: c.4703C>T on transcript NM_000548.5 (MANE Select); coding-DNA position 4703, C replaced by T.
Protein change: p.Ser1568Phe; replaces serine 1568 with phenylalanine.
Molecular consequence: missense variant. On other transcripts: non-coding transcript variant (5).
Genome position (GRCh38, 1-based): chr16:2,086,233, C>T. VCF-style: chr16-2086233-C-T. GRCh37 (hg19) VCF-style: chr16-2136234-C-T.
Other names: c.4502C>T, p.Ser1501Phe (NM_001077183.3); c.4634C>T, p.Ser1545Phe (NM_001114382.3); c.4394C>T, p.Ser1465Phe (NM_001318827.2); c.4358C>T, p.Ser1453Phe (NM_001318829.2); c.3971C>T, p.Ser1324Phe (NM_001318831.2); c.4535C>T, p.Ser1512Phe (NM_001318832.2); c.4505C>T, p.Ser1502Phe (NM_001363528.2); c.4571C>T, p.Ser1524Phe (NM_001370404.1); and 26 more; short protein forms S1054F, S1076F, S1077F, S1302F, S1324F, S1344F, S1348F, S1464F.
Identifiers: ClinVar variation 2972780 (VCV002972780.4), dbSNP rs1555516036, ClinGen allele CA394307315.

ClinVar aggregate classification (germline): Conflicting classifications of pathogenicity. Review status: criteria provided, conflicting classifications (1 of 4 stars). 2 submissions from 2 submitters: Likely pathogenic (1); Uncertain significance (1). Last evaluated 2025-10-17.

Conditions:
Hereditary cancer-predisposing syndrome. Also called: Tumor predisposition; Hereditary neoplastic syndrome; Neoplastic Syndromes, Hereditary; Hereditary Cancer Syndrome. Identifiers: Orphanet 140162, MedGen C0027672, MeSH D009386, MONDO:0015356.
Tuberous sclerosis 2 (TSC2). Identifiers: Orphanet 805, MedGen C1860707, MONDO:0013199, OMIM 613254.

Submissions (2):

Ambry Genetics
Classification: Likely pathogenic for Hereditary cancer-predisposing syndrome. Last evaluated: 2025-10-17. Review status: criteria provided, single submitter. Criteria: Ambry Variant Classification Scheme 2023. Collection method: clinical testing. Allele origin: germline.
Comment: The p.S1568F variant (also known as c.4703C>T), located in coding exon 36 of the TSC2 gene, results from a C to T substitution at nucleotide position 4703. The serine at codon 1568 is replaced by phenylalanine, an amino acid with highly dissimilar properties. This variant was identified in a fetus diagnosed with multiple cardiac rhabdomyomas by prenatal examination (Mariscal-Mendiz&aacute;bal LF et al. Prenat Diagn. 2019 Oct;39(11):998-1004). This amino acid position is highly conserved in available vertebrate species. In addition, this alteration is predicted to be deleterious by in silico analysis. This variant is considered to be rare based on population cohorts in the Genome Aggregation Database (gnomAD). Based on the majority of available evidence to date, this variant is likely to be pathogenic.

Labcorp Genetics (formerly Invitae), Labcorp
Classification: Uncertain significance for Tuberous sclerosis 2. Last evaluated: 2023-11-13. Review status: criteria provided, single submitter. Criteria: Invitae Variant Classification Sherloc (09022015). Collection method: clinical testing. Allele origin: germline.
Comment: This sequence change replaces serine, which is neutral and polar, with phenylalanine, which is neutral and non-polar, at codon 1568 of the TSC2 protein (p.Ser1568Phe). This variant is not present in population databases (gnomAD no frequency). This missense change has been observed in individual(s) with clinical features of TSC2-related conditions (PMID: 31291687). Advanced modeling of protein sequence and biophysical properties (such as structural, functional, and spatial information, amino acid conservation, physicochemical variation, residue mobility, and thermodynamic stability) performed at Invitae indicates that this missense variant is expected to disrupt TSC2 protein function with a positive predictive value of 95%. In summary, the available evidence is currently insufficient to determine the role of this variant in disease. Therefore, it has been classified as a Variant of Uncertain Significance.

Literature cited by the submitters: PubMed 31291687 (cited by Ambry Genetics and Labcorp Genetics (formerly Invitae), Labcorp).